The following is an entry in ClinVar:

NM_000138.5(FBN1):c.6499A>C (p.Thr2167Pro)

Gene: FBN1 (fibrillin 1; minus strand). Cytogenetic location: 15q21.1.
Variant type: single nucleotide variant.
Coding change: c.6499A>C on transcript NM_000138.5 (MANE Select); coding-DNA position 6499, A replaced by C.
Protein change: p.Thr2167Pro; replaces threonine 2167 with proline.
Molecular consequence: missense variant.
Genome position (GRCh38, 1-based): chr15:48,434,711, T>G on the plus strand (A>C on the coding strand, the complement: FBN1 is on the minus strand). VCF-style: chr15-48434711-T-G. GRCh37 (hg19) VCF-style: chr15-48726908-T-G.
Other names: p.T2167P:ACT>CCT; short protein forms T2167P.
Identifiers: ClinVar variation 200195 (VCV000200195.11), dbSNP rs373510719, ClinGen allele CA016525.

ClinVar aggregate classification (germline): Conflicting classifications of pathogenicity. Review status: criteria provided, conflicting classifications (1 of 4 stars). 2 submissions from 2 submitters: Likely pathogenic (1); Uncertain significance (1). Last evaluated 2023-07-07.

Conditions:
Marfan syndrome (MFS). Also called: MARFAN SYNDROME, TYPE I; FBN1-Related Marfan Syndrome; Marfan syndrome, classic; Marfan syndrome type 1; Marfan's syndrome. Identifiers: Orphanet 284963, Orphanet 558, MedGen C0024796, MONDO:0007947, OMIM 154700.
Familial thoracic aortic aneurysm and aortic dissection (TAAD). Also called: Thoracic aortic aneurysms and dissections. Identifiers: Orphanet 91387, MedGen C4707243, MONDO:0019625.

Allele frequency attached by ClinVar (database versions not stated): gnomAD 0.00001; ESP Exome Variant Server 0.00008; TOPMed 0.00002.
gnomAD v4.1: 1 of 1,613,494 alleles (0.000062%); highest among the groups gnomAD compares: African/African-American, 0.0013%; no homozygotes.

Submissions (2):

Labcorp Genetics (formerly Invitae), Labcorp
Classification: Uncertain significance for Marfan syndrome; Familial thoracic aortic aneurysm and aortic dissection. Last evaluated: 2023-07-07. Review status: criteria provided, single submitter. Criteria: Invitae Variant Classification Sherloc (09022015). Collection method: clinical testing. Allele origin: germline.
Comment: This sequence change replaces threonine, which is neutral and polar, with proline, which is neutral and non-polar, at codon 2167 of the FBN1 protein (p.Thr2167Pro). This variant is not present in population databases (gnomAD no frequency). This variant has not been reported in the literature in individuals affected with FBN1-related conditions. ClinVar contains an entry for this variant (Variation ID: 200195). An algorithm developed to predict the effect of missense changes on protein structure and function (PolyPhen-2) suggests that this variant is likely to be disruptive. In summary, the available evidence is currently insufficient to determine the role of this variant in disease. Therefore, it has been classified as a Variant of Uncertain Significance.

GeneDx
Classification: Likely pathogenic. Last evaluated: 2014-10-06. Review status: criteria provided, single submitter. Criteria: GeneDx Variant Classification (06012015). Collection method: clinical testing. Allele origin: germline. Affected: yes.
Comment: p.Thr2167Pro (ACT>CCT): c.6499 A>C in exon 54 of the FBN1 gene (NM_000138.4) A T2167P variant that is likely pathogenic was identified in the FBN1 gene. It has not been published as a mutation, nor has it been reported as a benign polymorphism to our knowledge. The T2167P variant was not observed with any significant frequency in approximately 6,500 individuals of European and African American ancestry in the NHLBI Exome Sequencing Project, indicating it is not a common benign variant in these populations. The T2167P variant is a non-conservative amino acid substitution, which is likely to impact secondary protein structure as these residues differ in polarity, charge, size and/or other properties. In silico analysis predicts this variant is probably damaging to the protein structure/function. Furthermore, missense mutations in nearby residues (A2160P, D2166N, D2168G, E2169G) have been reportede in association with Marfan syndrome and aortic aneurysm, supporting the functional importance of this region of the protein. Therefore, this variant is a strong candidate for a pathogenic mutation, however the possibility that it is a benign variant cannot be excluded. The variant is found in TAAD panel(s).